The following is an entry in ClinVar:

ClinVar aggregate classification (germline): Uncertain significance (1 of 4 stars; one submission).

Submission:

GeneDx
Classification: Uncertain significance. Last evaluated: 2024-02-26. Review status: criteria provided, single submitter. Criteria: GeneDx Variant Classification Process June 2021. Collection method: clinical testing. Allele origin: germline. Affected: yes.
Comment: Not observed at significant frequency in large population cohorts (gnomAD); In silico analysis supports that this missense variant has a deleterious effect on protein structure/function; Has not been previously published as pathogenic or benign to our knowledge

NM_001282534.2(KCNK9):c.409C>G (p.Arg137Gly)

Gene: KCNK9 (potassium two pore domain channel subfamily K member 9; minus strand). Cytogenetic location: 8q24.3.
Variant type: single nucleotide variant.
Coding change: c.409C>G on transcript NM_001282534.2 (MANE Select); coding-DNA position 409, C replaced by G.
Protein change: p.Arg137Gly; replaces arginine 137 with glycine.
Molecular consequence: missense variant. On other transcripts: non-coding transcript variant (1).
Genome position (GRCh38, 1-based): chr8:139,618,974, G>C on the plus strand (C>G on the coding strand, the complement: KCNK9 is on the minus strand). VCF-style: chr8-139618974-G-C. GRCh37 (hg19) VCF-style: chr8-140631217-G-C.
Other names: short protein forms R137G.
Identifiers: ClinVar variation 3369739 (VCV003369739.1).